The following is an entry in ClinVar:

ClinVar aggregate classification (germline): Uncertain significance (1 of 4 stars; one submission).

Allele frequency attached by ClinVar (database versions not stated): gnomAD exomes below 0.00001.
gnomAD v4.1: 1 of 1,614,118 alleles (0.000062%); highest among the groups gnomAD compares: Non-Finnish European, 0.000085%; no homozygotes.

Submission:

Labcorp Genetics (formerly Invitae), Labcorp
Classification: Uncertain significance. Last evaluated: 2024-09-16. Review status: criteria provided, single submitter. Criteria: Invitae Variant Classification Sherloc (09022015). Collection method: clinical testing. Allele origin: germline.
Comment: This sequence change replaces glycine, which is neutral and non-polar, with alanine, which is neutral and non-polar, at codon 213 of the COQ6 protein (p.Gly213Ala). This variant is not present in population databases (gnomAD no frequency). This variant has not been reported in the literature in individuals affected with COQ6-related conditions. Invitae Evidence Modeling of protein sequence and biophysical properties (such as structural, functional, and spatial information, amino acid conservation, physicochemical variation, residue mobility, and thermodynamic stability) indicates that this missense variant is not expected to disrupt COQ6 protein function with a negative predictive value of 80%. In summary, the available evidence is currently insufficient to determine the role of this variant in disease. Therefore, it has been classified as a Variant of Uncertain Significance.

NM_182476.3(COQ6):c.638G>C (p.Gly213Ala)

Genes: COQ6 (coenzyme Q6, monooxygenase; plus strand), ENTPD5 (ectonucleoside triphosphate diphosphohydrolase 5; minus strand). Cytogenetic location: 14q24.3.
Variant type: single nucleotide variant.
Coding change: c.638G>C on transcript NM_182476.3 (MANE Select); coding-DNA position 638, G replaced by C.
Protein change: p.Gly213Ala; replaces glycine 213 with alanine.
Molecular consequence: missense variant. On other transcripts: 3 prime UTR variant (3), intron variant (2).
Genome position (GRCh38, 1-based): chr14:73,958,996, G>C. VCF-style: chr14-73958996-G-C. GRCh37 (hg19) VCF-style: chr14-74425699-G-C.
Other names: c.638G>C, p.Gly213Ala (NM_001425255.1, NM_001425256.1); c.473G>C, p.Gly158Ala (NM_001425257.1); c.563G>C, p.Gly188Ala (NM_001425258.1, NM_182480.3); c.413G>C, p.Gly138Ala (NM_001425259.1, NM_001425260.1, NM_001425261.1); c.383G>C, p.Gly128Ala (NM_001425262.1); c.311G>C, p.Gly104Ala (NM_001425263.1); c.98G>C, p.Gly33Ala (NM_001425264.1, NM_001425265.1); c.*534C>G (NM_001330189.2, NM_001382259.1, NM_001382260.1); and 2 more; short protein forms G213A, G188A.
Identifiers: ClinVar variation 2831702 (VCV002831702.3), dbSNP rs925685162, ClinGen allele CA390375363.
Genomic context (GRCh38, chr14:73,958,996, plus strand): 5'-GCTGGAAGACTTAGCAGGCTCATGTGTCCATGCAGATAGGTGCAGATGGTCACAACTCCG[G>C]AGTACGGCAGGCTGTTGGAATCCAGAATGTGAGCTGGAACTATGACCAGTCTGCTGTTGT-3'
Protein context (NP_872282.1, residues 203-223): LLIGADGHNS[Gly213Ala]VRQAVGIQNV